The following is an entry in ClinVar:

ClinVar aggregate classification (germline): Likely pathogenic (1 of 4 stars; one submission).

Submission:

GeneDx
Classification: Likely pathogenic. Last evaluated: 2026-01-27. Review status: criteria provided, single submitter. Criteria: GeneDx Variant Classification Process June 2021. Collection method: clinical testing. Allele origin: germline.
Comment: Published functional studies suggest a damaging effect: increased acetylcholine sensitivity compared to wild-type (PMID: 12823585, 30472464); Not observed at significant frequency in large population cohorts (gnomAD); In silico analysis supports that this missense variant has a deleterious effect on protein structure/function; Also known as p.(T265I); This variant is associated with the following publications: (PMID: 39193833, 26091610, 19020039, 19383498, 38966089, 22787678, 21384293, 30472464, 12823585, 25282705, 22036597, 21753767)

NM_000744.7(CHRNA4):c.878C>T (p.Thr293Ile)

Gene: CHRNA4 (cholinergic receptor nicotinic alpha 4 subunit; minus strand). Cytogenetic location: 20q13.33.
Variant type: single nucleotide variant.
Coding change: c.878C>T on transcript NM_000744.7 (MANE Select); coding-DNA position 878, C replaced by T.
Protein change: p.Thr293Ile; replaces threonine 293 with isoleucine.
Molecular consequence: missense variant. On other transcripts: non-coding transcript variant (1).
Genome position (GRCh38, 1-based): chr20:63,350,533, G>A on the plus strand (C>T on the coding strand, the complement: CHRNA4 is on the minus strand). VCF-style: chr20-63350533-G-A. GRCh37 (hg19) VCF-style: chr20-61981885-G-A.
Other names: c.350C>T, p.Thr117Ile (NM_001256573.2); short protein forms T293I, T117I.
Identifiers: ClinVar variation 4887818 (VCV004887818.1).